The following is an entry in ClinVar:

NM_030973.4(MED25):c.1891C>T (p.Pro631Ser)

Gene: MED25 (mediator complex subunit 25; plus strand). Cytogenetic location: 19q13.33.
Variant type: single nucleotide variant.
Coding change: c.1891C>T on transcript NM_030973.4 (MANE Select); coding-DNA position 1891, C replaced by T.
Protein change: p.Pro631Ser; replaces proline 631 with serine.
Molecular consequence: missense variant.
Genome position (GRCh38, 1-based): chr19:49,835,871, C>T. VCF-style: chr19-49835871-C-T. GRCh37 (hg19) VCF-style: chr19-50339128-C-T.
Other names: c.1891C>T, p.Pro631Ser (NM_001378355.1); short protein forms P631S.
Identifiers: ClinVar variation 476803 (VCV000476803.7), dbSNP rs764083423, ClinGen allele CA9585408.

ClinVar aggregate classification (germline): Uncertain significance. Review status: criteria provided, multiple submitters, no conflicts (2 of 4 stars). 3 submissions from 3 submitters: Uncertain significance (3). Last evaluated 2026-02-24.

Conditions:
Inborn genetic diseases. Identifiers: MedGen C0950123, MeSH D030342.
Charcot-Marie-Tooth disease type 2. Also called: Charcot-Marie-Tooth type 2. Identifiers: Orphanet 64746, MedGen C0270914, MONDO:0018993.

Allele frequency attached by ClinVar (database versions not stated): TOPMed 0.00003; gnomAD 0.00002; gnomAD exomes 0.00003 and 0.00004; ExAC 0.00001.
gnomAD v4.1: 54 of 1,612,656 alleles (0.0033%); highest among the groups gnomAD compares: Non-Finnish European, 0.0045%; no homozygotes.

Submissions (3):

Women's Health and Genetics/Laboratory Corporation of America, LabCorp
Classification: Uncertain significance. Last evaluated: 2026-02-24. Review status: criteria provided, single submitter. Criteria: LabCorp Variant Classification Summary - May 2015. Collection method: clinical testing. Allele origin: germline.
Comment: Variant summary: MED25 c.1891C>T (p.Pro631Ser) results in a non-conservative amino acid change in the encoded protein sequence. Algorithms developed to predict the effect of missense changes on protein structure and function are either unavailable or do not agree on the potential impact of this missense change. The variant allele was found at a frequency of 2.9e-05 in 245596 control chromosomes. The available data on variant occurrences in the general population are insufficient to allow any conclusion about variant significance. To our knowledge, no occurrence of c.1891C>T in individuals affected with MED25-related conditions and no experimental evidence demonstrating its impact on protein function have been reported. ClinVar contains an entry for this variant (Variation ID: 476803). Based on the evidence outlined above, the variant was classified as uncertain significance.

Ambry Genetics
Classification: Uncertain significance for Inborn genetic diseases. Last evaluated: 2025-08-23. Review status: criteria provided, single submitter. Criteria: Ambry Variant Classification Scheme 2023. Collection method: clinical testing. Allele origin: germline.

Labcorp Genetics (formerly Invitae), Labcorp
Classification: Uncertain significance for Charcot-Marie-Tooth disease type 2. Last evaluated: 2023-09-23. Review status: criteria provided, single submitter. Criteria: Invitae Variant Classification Sherloc (09022015). Collection method: clinical testing. Allele origin: germline.
Comment: In summary, the available evidence is currently insufficient to determine the role of this variant in disease. Therefore, it has been classified as a Variant of Uncertain Significance. Algorithms developed to predict the effect of missense changes on protein structure and function output the following: SIFT: "Not Available"; PolyPhen-2: "Benign"; Align-GVGD: "Not Available". The serine amino acid residue is found in multiple mammalian species, which suggests that this missense change does not adversely affect protein function. ClinVar contains an entry for this variant (Variation ID: 476803). This variant has not been reported in the literature in individuals affected with MED25-related conditions. This variant is present in population databases (rs764083423, gnomAD 0.006%). This sequence change replaces proline, which is neutral and non-polar, with serine, which is neutral and polar, at codon 631 of the MED25 protein (p.Pro631Ser).